The following is an entry in ClinVar:

ClinVar aggregate classification (germline): Likely benign. Review status: reviewed by expert panel (3 of 4 stars). 2 submissions from 2 submitters: Likely benign (1). 1 of the submissions does not count toward it. Last evaluated 2017-06-29.

Conditions:
Hereditary cancer-predisposing syndrome. Also called: Hereditary neoplastic syndrome; Hereditary Cancer Syndrome; Neoplastic Syndromes, Hereditary; Tumor predisposition. Identifiers: Orphanet 140162, MedGen C0027672, MeSH D009386, MONDO:0015356.
Breast-ovarian cancer, familial, susceptibility to, 2 (BROVCA2). Also called: BRCA2 Hereditary Breast and Ovarian Cancer. Identifiers: Orphanet 145, MedGen C2675520, MONDO:0012933, OMIM 612555. Disease mechanism: loss of function.

Submissions (2):

Evidence-based Network for the Interpretation of Germline Mutant Alleles (ENIGMA)
Classification: Likely benign for Breast-ovarian cancer, familial, susceptibility to, 2. Last evaluated: 2017-06-29. Review status: reviewed by expert panel. Criteria: ENIGMA BRCA1/2 Classification Criteria (2017-06-29). Collection method: curation. Allele origin: germline.
Comment: Synonymous substitution variant, with low bioinformatic likelihood to result in a splicing aberration (Splicing prior probability 0.02).

Ambry Genetics
Classification: Likely benign for Hereditary cancer-predisposing syndrome. Last evaluated: 2023-12-21. Review status: criteria provided, single submitter. Criteria: Ambry Variant Classification Scheme 2023. Collection method: clinical testing. Allele origin: germline. Not counted in ClinVar's aggregate classification.

NM_000059.4(BRCA2):c.9810C>A (p.Ala3270=)

Gene: BRCA2 (BRCA2 DNA repair associated; plus strand). Cytogenetic location: 13q13.1.
Variant type: single nucleotide variant.
Coding change: c.9810C>A on transcript NM_000059.4 (MANE Select); coding-DNA position 9810, C replaced by A.
Protein change: p.Ala3270=; no amino-acid change (alanine 3270 retained).
Molecular consequence: synonymous variant.
Genome position (GRCh38, 1-based): chr13:32,398,323, C>A. VCF-style: chr13-32398323-C-A. GRCh37 (hg19) VCF-style: chr13-32972460-C-A.
Identifiers: ClinVar variation 427405 (VCV000427405.4), dbSNP rs1131692128, ClinGen allele CA483440115.